The following is an entry in ClinVar:

NM_170707.4(LMNA):c.661C>T (p.Arg221Cys)

Gene: LMNA (lamin A/C; plus strand). Cytogenetic location: 1q22.
Variant type: single nucleotide variant.
Coding change: c.661C>T on transcript NM_170707.4 (MANE Select); coding-DNA position 661, C replaced by T.
Protein change: p.Arg221Cys; replaces arginine 221 with cysteine.
Molecular consequence: missense variant.
Genome position (GRCh38, 1-based): chr1:156,134,826, C>T. VCF-style: chr1-156134826-C-T. GRCh37 (hg19) VCF-style: chr1-156104617-C-T.
Other names: c.325C>T, p.Arg109Cys (NM_001257374.3); c.418C>T, p.Arg140Cys (NM_001282624.2); c.661C>T, p.Arg221Cys (NM_001282625.2, NM_001282626.2, NM_005572.4 and 1 more transcripts); short protein forms R221C, R109C, R140C.
Identifiers: ClinVar variation 222693 (VCV000222693.26), dbSNP rs869025457, ClinGen allele CA351829.
Genomic context (GRCh38, chr1:156,134,826, plus strand): 5'-CTGATTTTGGTTTCTGTGTCCTTCCTCCAACCCTTCCAGGAGCTGCGTGAGACCAAGCGC[C>T]GTCATGAGACCCGACTGGTGGAGATTGACAATGGGAAGCAGCGTGAGTTTGAGAGCCGGC-3'
Protein context (NP_733821.1, residues 211-231): YSEELRETKR[Arg221Cys]HETRLVEIDN

ClinVar aggregate classification (germline): Uncertain significance. Review status: criteria provided, multiple submitters, no conflicts (2 of 4 stars). 5 submissions from 5 submitters: Uncertain significance (3). 2 of the submissions do not count toward it. Last evaluated 2026-01-18.

Conditions:
Charcot-Marie-Tooth disease type 2. Also called: Charcot-Marie-Tooth type 2. Identifiers: Orphanet 64746, MedGen C0270914, MONDO:0018993.
Cardiomyopathy (CMYO). Also called: Cardiomyopathies. Identifiers: Orphanet 167848, MedGen C0878544, MONDO:0004994, HP:0001638. Inheritance: Various modes of inheritance.

gnomAD v4.1: 11 of 1,614,164 alleles (0.00068%); highest among the groups gnomAD compares: Non-Finnish European, 0.00093%; no homozygotes.

Submissions (5):

Labcorp Genetics (formerly Invitae), Labcorp
Classification: Uncertain significance for Charcot-Marie-Tooth disease type 2. Last evaluated: 2026-01-18. Review status: criteria provided, single submitter. Criteria: Invitae Variant Classification Sherloc (09022015). Collection method: clinical testing. Allele origin: germline.
Comment: This sequence change replaces arginine, which is basic and polar, with cysteine, which is neutral and slightly polar, at codon 221 of the LMNA protein (p.Arg221Cys). This variant is not present in population databases (gnomAD no frequency). This missense change has been observed in individual(s) with dilated cardiomyopathy (PMID: 29892087, 31983221, 37652022). ClinVar contains an entry for this variant (Variation ID: 222693). Invitae Evidence Modeling of protein sequence and biophysical properties (such as structural, functional, and spatial information, amino acid conservation, physicochemical variation, residue mobility, and thermodynamic stability) indicates that this missense variant is expected to disrupt LMNA protein function with a positive predictive value of 95%. In summary, the available evidence is currently insufficient to determine the role of this variant in disease. Therefore, it has been classified as a Variant of Uncertain Significance.

Color Diagnostics, LLC DBA Color Health
Classification: Uncertain significance for Cardiomyopathy. Last evaluated: 2025-09-23. Review status: criteria provided, single submitter. Criteria: ACMG Guidelines, 2015. Collection method: clinical testing. Allele origin: germline.
Comment: This missense variant replaces arginine with cysteine at codon 221 of the LMNA protein. Computational prediction suggests that this variant may have deleterious impact on protein structure and function. To our knowledge, functional studies have not been reported for this variant. This variant has been reported in several individuals affected with dilated cardiomyopathy (PMID: 29892087, 31983221, 33954932). This variant has not been identified in the general population by the Genome Aggregation Database (gnomAD). The available evidence is insufficient to determine the role of this variant in disease conclusively. Therefore, this variant is classified as a Variant of Uncertain Significance.

CeGaT Center for Human Genetics Tuebingen
Classification: Uncertain significance. Last evaluated: 2024-07-01. Review status: criteria provided, single submitter. Criteria: CeGaT Center For Human Genetics Tuebingen Variant Classification Criteria Version 2. Collection method: clinical testing. Allele origin: germline. Affected: yes. Observed: 1 variant allele.
Comment: LMNA: PM2, PS4:Moderate, PP3

Clinical Genetics, Academic Medical Center
Classification: Uncertain significance. Review status: no assertion criteria provided. Collection method: clinical testing. Allele origin: germline. Affected: yes. Study: VKGL Data-share Consensus. Not counted in ClinVar's aggregate classification.

Diagnostic Laboratory, Department of Genetics, University Medical Center Groningen
Classification: Uncertain significance. Review status: no assertion criteria provided. Collection method: clinical testing. Allele origin: germline. Affected: yes. Study: VKGL Data-share Consensus. Not counted in ClinVar's aggregate classification.

Literature cited by the submitters: PubMed 29892087 (cited by Labcorp Genetics (formerly Invitae), Labcorp and Color Diagnostics, LLC DBA Color Health); PubMed 31983221 (cited by Labcorp Genetics (formerly Invitae), Labcorp and Color Diagnostics, LLC DBA Color Health); PubMed 37652022 (cited by Labcorp Genetics (formerly Invitae), Labcorp); PubMed 33954932 (cited by Color Diagnostics, LLC DBA Color Health).